The following is an entry in ClinVar:

ClinVar aggregate classification (germline): Likely pathogenic. Review status: criteria provided, multiple submitters, no conflicts (2 of 4 stars). 3 submissions from 3 submitters: Likely pathogenic (2). 1 of the submissions does not count toward it. Last evaluated 2019-02-01.

Conditions:
Thrombocytopenia. Identifiers: MedGen C0040034, MeSH D013921, MONDO:0002049, HP:0001873.
Thrombocytopenia 4 (THC4). Also called: THROMBOCYTOPENIA, AUTOSOMAL DOMINANT, 4. Identifiers: Orphanet 268322, MedGen C2677608, MONDO:0012775, OMIM 612004.

Allele frequency attached by ClinVar (database versions not stated): gnomAD exomes below 0.00001.
gnomAD v4.1: 2 of 1,614,152 alleles (0.00012%); highest among the groups gnomAD compares: Non-Finnish European, 0.00017%; no homozygotes.

Submissions (3):

NIHR Bioresource Rare Diseases, University of Cambridge
Classification: Likely pathogenic for Thrombocytopenia. Last evaluated: 2019-02-01. Review status: criteria provided, single submitter. Criteria: ACMG Guidelines, 2015. Collection method: research. Allele origin: unknown. Affected: yes. Observed: 4 heterozygotes. Study: ThromboGenomics.

ISTH-SSC Genomics in Thrombosis and Hemostasis, KU Leuven, Center for Molecular and Vascular Biology
Classification: Likely pathogenic for Thrombocytopenia 4. Review status: criteria provided, single submitter. Criteria: ACMG Guidelines, 2015. Collection method: research. Allele origin: unknown. Affected: yes. Observed: 2 heterozygotes. Clinical features observed: family history of thrombocytopenia, recurrent epistaxis, bruising.
Comment: Goldvariant submitters: Marie-Christine Morel-Kopp, Northern Blood Research Centre, Sydney, Australia and Neil Morgan, Birmingham Platelet Group, Birmingham, UK

OMIM
Classification: Pathogenic for THROMBOCYTOPENIA, AUTOSOMAL DOMINANT, 4. Last evaluated: 2014-02-01. Review status: no assertion criteria provided. Collection method: literature only. Allele origin: germline. Not counted in ClinVar's aggregate classification.

Literature cited by the submitters: PubMed 31064749 (cited by NIHR Bioresource Rare Diseases, University of Cambridge); PubMed 34355501 (cited by ISTH-SSC Genomics in Thrombosis and Hemostasis, KU Leuven, Center for Molecular and Vascular Biology); PubMed 18345000 (cited by ISTH-SSC Genomics in Thrombosis and Hemostasis, KU Leuven, Center for Molecular and Vascular Biology and OMIM); PubMed 22102269 (cited by ISTH-SSC Genomics in Thrombosis and Hemostasis, KU Leuven, Center for Molecular and Vascular Biology); Morison, I. M. Personal Communication. 2008. Dunedin, New Zealand (cited by OMIM); Dayhoff, M. O. Cytochrome C group. Atlas of Protein Sequence and Structure. Vol. 5. Washington: National Biomedical Research Foundation (pub.) D7-D27, 1972. (cited by OMIM); PubMed 24326104 (cited by OMIM).

NM_018947.6(CYCS):c.124G>A (p.Gly42Ser)

Gene: CYCS (cytochrome c, somatic; minus strand). Cytogenetic location: 7p15.3.
Variant type: single nucleotide variant.
Coding change: c.124G>A on transcript NM_018947.6 (MANE Select); coding-DNA position 124, G replaced by A.
Protein change: p.Gly42Ser; replaces glycine 42 with serine.
Molecular consequence: missense variant.
Genome position (GRCh38, 1-based): chr7:25,123,996, C>T on the plus strand (G>A on the coding strand, the complement: CYCS is on the minus strand). VCF-style: chr7-25123996-C-T. GRCh37 (hg19) VCF-style: chr7-25163615-C-T.
Other names: short protein forms G42S.
Identifiers: ClinVar variation 16917 (VCV000016917.5), dbSNP rs121918552, ClinGen allele CA126966.
Genomic context (GRCh38, chr7:25,123,996, plus strand): 5'-ACAAGTGACTCTTACCTTTGTTCTTATTGGCGGCTGTGTAAGAGTATCCAGGGGCCTGAC[C>T]TGTCTTCCGCCCAAAGAGACCATGGAGATTTGGCCCAGTCTTGTGCTTGCCTCCCTTTTC-3'
Protein context (NP_061820.1, residues 32-52): NLHGLFGRKT[Gly42Ser]QAPGYSYTAA